The following is an entry in ClinVar:

NM_002890.3(RASA1):c.2011+1G>A

Genes: CCNH (cyclin H; minus strand), RASA1 (RAS p21 protein activator 1; plus strand). Cytogenetic location: 5q14.3.
Variant type: single nucleotide variant.
Coding change: c.2011+1G>A on transcript NM_002890.3 (MANE Select); the canonical splice donor site of the intron after coding-DNA position 2011, G replaced by A.
Molecular consequence: splice donor variant. On other transcripts: intron variant (1).
Genome position (GRCh38, 1-based): chr5:87,374,917, G>A. VCF-style: chr5-87374917-G-A. GRCh37 (hg19) VCF-style: chr5-86670734-G-A.
Other names: c.1480+1G>A (NM_022650.3); c.933+20127C>T (NM_001364075.2).
Identifiers: ClinVar variation 2758799 (VCV002758799.3), dbSNP rs2531342144, ClinGen allele CA360376701.
Genomic context (GRCh38, chr5:87,374,917, plus strand): 5'-TCAATAGATTTGAAATAACTCTTAGTAATAAAACAAAGAAAAGCAAAGATCCTGATATCT[G>A]TAAGTTGATACAGAAACTTTCTAAAATAGAAAAAGCATGTTTTATATACTTTCAAAATTC-3'

ClinVar aggregate classification (germline): Likely pathogenic (1 of 4 stars; one submission).

Conditions:
Capillary malformation-arteriovenous malformation syndrome. Also called: Capillary malformation-arteriovenous malformation. Identifiers: Orphanet 137667, MedGen C1842180, MONDO:0012016.

Submission:

Labcorp Genetics (formerly Invitae), Labcorp
Classification: Likely pathogenic for Capillary malformation-arteriovenous malformation syndrome. Last evaluated: 2024-10-22. Review status: criteria provided, single submitter. Criteria: Invitae Variant Classification Sherloc (09022015). Collection method: clinical testing. Allele origin: germline.
Comment: This sequence change affects a donor splice site in intron 15 of the RASA1 gene. It is expected to disrupt RNA splicing. Variants that disrupt the donor or acceptor splice site typically lead to a loss of protein function (PMID: 16199547), and loss-of-function variants in RASA1 are known to be pathogenic (PMID: 24038909). This variant is not present in population databases (gnomAD no frequency). Disruption of this splice site has been observed in individual(s) with RASA1-related conditions (PMID: 29891884). Algorithms developed to predict the effect of sequence changes on RNA splicing suggest that this variant may disrupt the consensus splice site. In summary, the currently available evidence indicates that the variant is pathogenic, but additional data are needed to prove that conclusively. Therefore, this variant has been classified as Likely Pathogenic.

Literature cited by the submitters: PubMed 16199547; PubMed 24038909; PubMed 29891884.